The following is an entry in ClinVar:

ClinVar aggregate classification (germline): Uncertain significance (1 of 4 stars; one submission).

Conditions:
Inborn genetic diseases. Identifiers: MedGen C0950123, MeSH D030342.

Submission:

Ambry Genetics
Classification: Uncertain significance for Inborn genetic diseases. Last evaluated: 2025-01-18. Review status: criteria provided, single submitter. Criteria: Ambry Variant Classification Scheme 2023. Collection method: clinical testing. Allele origin: germline.
Comment: The p.G52S variant (also known as c.154G>A), located in coding exon 2 of the ELANE gene, results from a G to A substitution at nucleotide position 154. The glycine at codon 52 is replaced by serine, an amino acid with similar properties. This amino acid position is conserved. In addition, this alteration is predicted to be tolerated by in silico analysis. Based on the available evidence, the clinical significance of this variant remains unclear.

NM_001972.4(ELANE):c.154G>A (p.Gly52Ser)

Gene: ELANE (elastase, neutrophil expressed; plus strand). Cytogenetic location: 19p13.3.
Variant type: single nucleotide variant.
Coding change: c.154G>A on transcript NM_001972.4 (MANE Select); coding-DNA position 154, G replaced by A.
Protein change: p.Gly52Ser; replaces glycine 52 with serine.
Molecular consequence: missense variant.
Genome position (GRCh38, 1-based): chr19:852,962, G>A. VCF-style: chr19-852962-G-A. GRCh37 (hg19) VCF-style: chr19-852962-G-A.
Other names: short protein forms G52S.
Identifiers: ClinVar variation 3844300 (VCV003844300.1).